The following is an entry in ClinVar:

NM_000493.4(COL10A1):c.532G>A (p.Ala178Thr)

Genes: COL10A1 (collagen type X alpha 1 chain; minus strand), NT5DC1 (5'-nucleotidase domain containing 1; plus strand). Cytogenetic location: 6q22.1.
Variant type: single nucleotide variant.
Coding change: c.532G>A on transcript NM_000493.4 (MANE Select); coding-DNA position 532, G replaced by A.
Protein change: p.Ala178Thr; replaces alanine 178 with threonine.
Molecular consequence: missense variant. On other transcripts: intron variant (1).
Genome position (GRCh38, 1-based): chr6:116,121,584, C>T on the plus strand (G>A on the coding strand, the complement: COL10A1 is on the minus strand). VCF-style: chr6-116121584-C-T. GRCh37 (hg19) VCF-style: chr6-116442747-C-T.
Other names: c.532G>A, p.Ala178Thr (NM_001424106.1, NM_001424107.1); c.529+3639C>T (NM_152729.3); short protein forms A178T.
Identifiers: ClinVar variation 1026580 (VCV001026580.10), dbSNP rs755820997, ClinGen allele CA3968381.

ClinVar aggregate classification (germline): Conflicting classifications of pathogenicity. Review status: criteria provided, conflicting classifications (1 of 4 stars). 2 submissions from 2 submitters: Uncertain significance (1); Likely benign (1). Last evaluated 2021-06-29.

Allele frequency attached by ClinVar (database versions not stated): gnomAD 0.00001 and 0.00002; ExAC 0.00002; gnomAD exomes 0.00002 and 0.00004; TOPMed 0.00002.
gnomAD v4.1: 63 of 1,613,878 alleles (0.0039%); highest among the groups gnomAD compares: Non-Finnish European, 0.005%; no homozygotes.

Submissions (2):

Blueprint Genetics
Classification: Likely benign. Last evaluated: 2021-06-29. Review status: criteria provided, single submitter. Criteria: ACMG Guidelines, 2015. Collection method: clinical testing. Allele origin: germline.

Labcorp Genetics (formerly Invitae), Labcorp
Classification: Uncertain significance. Last evaluated: 2020-03-08. Review status: criteria provided, single submitter. Criteria: Invitae Variant Classification Sherloc (09022015). Collection method: clinical testing. Allele origin: germline.
Comment: This sequence change replaces alanine with threonine at codon 178 of the COL10A1 protein (p.Ala178Thr). The alanine residue is moderately conserved and there is a small physicochemical difference between alanine and threonine. This variant is present in population databases (rs755820997, ExAC 0.005%). This variant has not been reported in the literature in individuals with COL10A1-related conditions. Algorithms developed to predict the effect of missense changes on protein structure and function output the following: SIFT: "Tolerated"; PolyPhen-2: "Not Available"; Align-GVGD: "Class C0". The threonine amino acid residue is found in multiple mammalian species, suggesting that this missense change does not adversely affect protein function. These predictions have not been confirmed by published functional studies and their clinical significance is uncertain. In summary, the available evidence is currently insufficient to determine the role of this variant in disease. Therefore, it has been classified as a Variant of Uncertain Significance.